The following is an entry in ClinVar:

ClinVar aggregate classification (germline): Benign/Likely benign. Review status: criteria provided, multiple submitters, no conflicts (2 of 4 stars). 3 submissions from 3 submitters: Benign (1); Likely benign (1). 1 of the submissions does not count toward it. Last evaluated 2026-01-01.

Conditions:
LRRC56-related disorder. Also called: LRRC56-related condition.

Allele frequency attached by ClinVar (database versions not stated): ExAC 0.00133; ESP Exome Variant Server 0.00204; gnomAD 0.00241; 1000 Genomes Project 0.00319; 1000 Genomes Project 30x 0.00390.
gnomAD v4.1: 666 of 1,510,458 alleles (0.044%); highest among the groups gnomAD compares: African/African-American, 0.83%; 3 homozygotes.

Submissions (3):

Labcorp Genetics (formerly Invitae), Labcorp
Classification: Benign. Last evaluated: 2026-01-01. Review status: criteria provided, single submitter. Criteria: Invitae Variant Classification Sherloc (09022015). Collection method: clinical testing. Allele origin: germline.

Blueprint Genetics
Classification: Likely benign. Last evaluated: 2023-12-20. Review status: criteria provided, single submitter. Criteria: ACMG Guidelines, 2015. Collection method: clinical testing. Allele origin: germline.

PreventionGenetics, part of Exact Sciences
Classification: Benign for LRRC56-related condition. Last evaluated: 2019-06-07. Review status: no assertion criteria provided. Collection method: clinical testing. Allele origin: germline. Not counted in ClinVar's aggregate classification.
Comment: This variant is classified as benign based on ACMG/AMP sequence variant interpretation guidelines (Richards et al. 2015 PMID: 25741868, with internal and published modifications).

NM_198075.4(LRRC56):c.792G>A (p.Pro264=)

Gene: LRRC56 (leucine rich repeat containing 56; plus strand). Cytogenetic location: 11p15.5.
Variant type: single nucleotide variant.
Coding change: c.792G>A on transcript NM_198075.4 (MANE Select); coding-DNA position 792, G replaced by A.
Protein change: p.Pro264=; no amino-acid change (proline 264 retained).
Molecular consequence: synonymous variant.
Genome position (GRCh38, 1-based): chr11:551,298, G>A. VCF-style: chr11-551298-G-A. GRCh37 (hg19) VCF-style: chr11-551298-G-A.
Other names: c.792G>A (NM_198075.3).
Identifiers: ClinVar variation 2068906 (VCV002068906.7), dbSNP rs200798287, ClinGen allele CA5779816.